The following is an entry in ClinVar:

ClinVar aggregate classification (germline): Benign/Likely benign. Review status: criteria provided, multiple submitters, no conflicts (2 of 4 stars). 7 submissions from 6 submitters: Benign (2); Likely benign (4). 1 of the submissions does not count toward it. Last evaluated 2026-01-18.

Conditions:
Hereditary cancer-predisposing syndrome. Also called: Neoplastic Syndromes, Hereditary; Tumor predisposition; Hereditary Cancer Syndrome; Hereditary neoplastic syndrome. Identifiers: Orphanet 140162, MedGen C0027672, MeSH D009386, MONDO:0015356.
Holoprosencephaly 7 (HPE7). Identifiers: Orphanet 2162, MedGen C1835820, MONDO:0012562, OMIM 610828.
Gorlin syndrome. Also called: Basal cell nevus syndrome; Nevoid Basal Cell Carcinoma Syndrome. Identifiers: Orphanet 377, MedGen C0004779, MONDO:0007187.
PTCH1-related disorder. Also called: PTCH1-related disorders; PTCH1-related condition.

Allele frequency attached by ClinVar (database versions not stated): gnomAD exomes 0.00007 and 0.00022; TOPMed 0.00013; 1000 Genomes Project 30x 0.00016; 1000 Genomes Project 0.00020; ExAC 0.00023; gnomAD 0.00006.
gnomAD v4.1: 119 of 1,614,150 alleles (0.0074%); highest among the groups gnomAD compares: East Asian, 0.19%; 1 homozygote.

Submissions (7):

Labcorp Genetics (formerly Invitae), Labcorp
Classification: Likely benign for Gorlin syndrome. Last evaluated: 2026-01-18. Review status: criteria provided, single submitter. Criteria: Invitae Variant Classification Sherloc (09022015). Collection method: clinical testing. Allele origin: germline.

Blueprint Genetics
Classification: Likely benign. Last evaluated: 2024-11-18. Review status: criteria provided, single submitter. Criteria: ACMG Guidelines, 2015. Collection method: clinical testing. Allele origin: germline.

Sema4
Classification: Likely benign for Hereditary cancer-predisposing syndrome. Last evaluated: 2021-07-13. Review status: criteria provided, single submitter. Criteria: Sema4 Curation Guidelines. Collection method: curation. Allele origin: germline.

Ambry Genetics
Classification: Likely benign for Hereditary cancer-predisposing syndrome. Last evaluated: 2020-08-13. Review status: criteria provided, single submitter. Criteria: Ambry Variant Classification Scheme 2023. Collection method: clinical testing. Allele origin: germline.

Illumina Laboratory Services, Illumina
Classification: Benign for Holoprosencephaly 7. Last evaluated: 2018-01-13. Review status: criteria provided, single submitter. Criteria: ICSL Variant Classification Criteria 13 December 2019. Collection method: clinical testing. Allele origin: germline.
Comment: This variant was observed in the ICSL laboratory as part of a predisposition screen in an ostensibly healthy population. It had not been previously curated by ICSL or reported in the Human Gene Mutation Database (HGMD: prior to June 1st, 2018), and was therefore a candidate for classification through an automated scoring system. Utilizing variant allele frequency, disease prevalence and penetrance estimates, and inheritance mode, an automated score was calculated to assess if this variant is too frequent to cause the disease. Based on the score and internal cut-off values, a variant classified as benign is not then subjected to further curation. The score for this variant resulted in a classification of benign for this disease.

Illumina Laboratory Services, Illumina
Classification: Benign for Basal cell nevus syndrome 1. Last evaluated: 2018-01-13. Review status: criteria provided, single submitter. Criteria: ICSL Variant Classification Criteria 13 December 2019. Collection method: clinical testing. Allele origin: germline.
Comment: the same text as in the submission from Illumina Laboratory Services, Illumina above.

PreventionGenetics, part of Exact Sciences
Classification: Likely benign for PTCH1-related condition. Last evaluated: 2020-09-18. Review status: no assertion criteria provided. Collection method: clinical testing. Allele origin: germline. Not counted in ClinVar's aggregate classification.
Comment: This variant is classified as likely benign based on ACMG/AMP sequence variant interpretation guidelines (Richards et al. 2015 PMID: 25741868, with internal and published modifications).

NM_000264.5(PTCH1):c.2692G>A (p.Asp898Asn)

Gene: PTCH1 (patched 1; minus strand). Cytogenetic location: 9q22.32.
Variant type: single nucleotide variant.
Coding change: c.2692G>A on transcript NM_000264.5 (MANE Select); coding-DNA position 2692, G replaced by A.
Protein change: p.Asp898Asn; replaces aspartic acid 898 with asparagine.
Molecular consequence: missense variant. On other transcripts: non-coding transcript variant (1).
Genome position (GRCh38, 1-based): chr9:95,461,867, C>T on the plus strand (G>A on the coding strand, the complement: PTCH1 is on the minus strand). VCF-style: chr9-95461867-C-T. GRCh37 (hg19) VCF-style: chr9-98224149-C-T.
Other names: c.2494G>A, p.Asp832Asn (NM_001083602.3); c.2689G>A, p.Asp897Asn (NM_001083603.3); c.2239G>A, p.Asp747Asn (NM_001083604.3, NM_001083605.3, NM_001083606.3 and 1 more transcripts); c.2536G>A, p.Asp846Asn (NM_001354918.2); short protein forms D832N, D898N, D846N, D747N, D897N.
Identifiers: ClinVar variation 215694 (VCV000215694.23), dbSNP rs531947455, ClinGen allele CA337161.
Genomic context (GRCh38, chr9:95,461,867, plus strand): 5'-GCGGCCCCGCAGCCCTGGAAGCGCCCTCAGTGCCCAGCAGCTGGAGTACCTGGCTGATGT[C>T]GATGGGCTTATCGCGGCTGCCGGTTTGCACCAGGAGTTTGTAGGCAAGGACTCCATCGTC-3'
Protein context (NP_000255.2, residues 888-908): VQTGSRDKPI[Asp898Asn]ISQLTKQRLV